The following is an entry in ClinVar:

NM_001329943.3(KIAA0586):c.2624A>T (p.Asp875Val)

Gene: KIAA0586 (KIAA0586; plus strand). Cytogenetic location: 14q23.1.
Variant type: single nucleotide variant.
Coding change: c.2624A>T on transcript NM_001329943.3 (MANE Select); coding-DNA position 2624, A replaced by T.
Protein change: p.Asp875Val; replaces aspartic acid 875 with valine.
Molecular consequence: missense variant.
Genome position (GRCh38, 1-based): chr14:58,472,269, A>T. VCF-style: chr14-58472269-A-T. GRCh37 (hg19) VCF-style: chr14-58938987-A-T.
Other names: c.2783A>T, p.Asp928Val (NM_001244189.2); c.2579A>T, p.Asp860Val (NM_001244190.2); c.2369A>T, p.Asp790Val (NM_001244191.2, NM_001329945.2, NM_001364700.1 and 1 more transcripts); c.2492A>T, p.Asp831Val (NM_001244192.2); c.2204A>T, p.Asp735Val (NM_001244193.2); c.2624A>T, p.Asp875Val (NM_001329944.2, NM_001329946.2, NM_001329947.2); c.2396A>T, p.Asp799Val (NM_014749.5); c.2396A>T (NM_014749.3); short protein forms D735V, D790V, D799V, D831V, D860V, D875V, D928V.
Identifiers: ClinVar variation 1063970 (VCV001063970.8), dbSNP rs868621645, ClinGen allele CA261639968.
Genomic context (GRCh38, chr14:58,472,269, plus strand): 5'-TTATGAAGGTAGATGAAGAAGAGGTGAAGTTTCCAGGAACTAACTTTGATGAAATAATCG[A>T]TGTCATACAGGTAACAAAGCTTAGAAACCATGAGAAATTATTTTTCTACCGGTATTTTTC-3'
Protein context (NP_001316872.1, residues 865-885): FPGTNFDEII[Asp875Val]VIQEEEKCDE

ClinVar aggregate classification (germline): Uncertain significance. Review status: criteria provided, multiple submitters, no conflicts (2 of 4 stars). 2 submissions from 2 submitters: Uncertain significance (2). Last evaluated 2023-12-09.

Conditions:
Inborn genetic diseases. Identifiers: MedGen C0950123, MeSH D030342.
Short-rib thoracic dysplasia 14 with polydactyly (SRTD14). Identifiers: Orphanet 397715, MedGen C4225286, MONDO:0014688, OMIM 616546.
Joubert syndrome 23 (JBTS23). Identifiers: Orphanet 475, MedGen C4084822, MONDO:0014664, OMIM 616490.

Allele frequency attached by ClinVar (database versions not stated): gnomAD exomes below 0.00001.
gnomAD v4.1: 6 of 1,552,414 alleles (0.00039%); highest among the groups gnomAD compares: Middle Eastern, 0.034%; no homozygotes.

Submissions (2):

Labcorp Genetics (formerly Invitae), Labcorp
Classification: Uncertain significance for Joubert syndrome 23; Short-rib thoracic dysplasia 14 with polydactyly. Last evaluated: 2023-12-09. Review status: criteria provided, single submitter. Criteria: Invitae Variant Classification Sherloc (09022015). Collection method: clinical testing. Allele origin: germline.
Comment: This sequence change replaces aspartic acid, which is acidic and polar, with valine, which is neutral and non-polar, at codon 928 of the KIAA0586 protein (p.Asp928Val). This variant is not present in population databases (gnomAD no frequency). This variant has not been reported in the literature in individuals affected with KIAA0586-related conditions. ClinVar contains an entry for this variant (Variation ID: 1063970). Advanced modeling of protein sequence and biophysical properties (such as structural, functional, and spatial information, amino acid conservation, physicochemical variation, residue mobility, and thermodynamic stability) performed at Invitae indicates that this missense variant is expected to disrupt KIAA0586 protein function with a positive predictive value of 80%. In summary, the available evidence is currently insufficient to determine the role of this variant in disease. Therefore, it has been classified as a Variant of Uncertain Significance.

Ambry Genetics
Classification: Uncertain significance for Inborn genetic diseases. Last evaluated: 2021-09-27. Review status: criteria provided, single submitter. Criteria: Ambry Variant Classification Scheme 2023. Collection method: clinical testing. Allele origin: germline.